The following is an entry in ClinVar:

NM_004415.4(DSP):c.2507A>G (p.Gln836Arg)

Gene: DSP (desmoplakin; plus strand). Cytogenetic location: 6p24.3.
Variant type: single nucleotide variant.
Coding change: c.2507A>G on transcript NM_004415.4 (MANE Select); coding-DNA position 2507, A replaced by G.
Protein change: p.Gln836Arg; replaces glutamine 836 with arginine.
Molecular consequence: missense variant.
Genome position (GRCh38, 1-based): chr6:7,575,365, A>G. VCF-style: chr6-7575365-A-G. GRCh37 (hg19) VCF-style: chr6-7575598-A-G.
Other names: c.2507A>G (LRG_423t1); c.2507A>G, p.Gln836Arg (NM_001008844.3, NM_001319034.2); short protein forms Q836R.
Identifiers: ClinVar variation 453164 (VCV000453164.10), dbSNP rs1554107616, ClinGen allele CA362681493.

ClinVar aggregate classification (germline): Uncertain significance. Review status: criteria provided, multiple submitters, no conflicts (2 of 4 stars). 2 submissions from 2 submitters: Uncertain significance (2). Last evaluated 2020-10-21.

Conditions:
Arrhythmogenic cardiomyopathy with wooly hair and keratoderma. Also called: Dilated cardiomyopathy with woolly hair and keratoderma; PALMOPLANTAR KERATODERMA WITH LEFT VENTRICULAR CARDIOMYOPATHY AND WOOLLY HAIR; Arrhythmogenic cardiomyopathy with woolly hair and keratoderma; Carvajal syndrome. Identifiers: Orphanet 65282, MedGen C1854063, MONDO:0011581, OMIM 605676.
Arrhythmogenic right ventricular dysplasia 8 (ARVD8). Also called: ARRHYTHMOGENIC RIGHT VENTRICULAR CARDIOMYOPATHY 8; Arrhythmogenic Right Ventricular Dysplasia/Cardiomyopathy 8; ARRHYTHMOGENIC RIGHT VENTRICULAR DYSPLASIA, FAMILIAL, 8. Identifiers: MedGen C1843896, MONDO:0011831, OMIM 607450.

Allele frequency attached by ClinVar (database versions not stated): gnomAD exomes below 0.00001.
gnomAD v4.1: 2 of 1,614,138 alleles (0.00012%); highest among the groups gnomAD compares: Non-Finnish European, 0.00017%; no homozygotes.

Submissions (2):

Labcorp Genetics (formerly Invitae), Labcorp
Classification: Uncertain significance for Arrhythmogenic cardiomyopathy with wooly hair and keratoderma; Arrhythmogenic right ventricular dysplasia 8. Last evaluated: 2020-10-21. Review status: criteria provided, single submitter. Criteria: Invitae Variant Classification Sherloc (09022015). Collection method: clinical testing. Allele origin: germline.
Comment: In summary, the available evidence is currently insufficient to determine the role of this variant in disease. Therefore, it has been classified as a Variant of Uncertain Significance. Algorithms developed to predict the effect of missense changes on protein structure and function (SIFT, PolyPhen-2, Align-GVGD) all suggest that this variant is likely to be tolerated, but these predictions have not been confirmed by published functional studies and their clinical significance is uncertain. This variant has not been reported in the literature in individuals with DSP-related conditions. ClinVar contains an entry for this variant (Variation ID: 453164). This variant is not present in population databases (ExAC no frequency). This sequence change replaces glutamine with arginine at codon 836 of the DSP protein (p.Gln836Arg). The glutamine residue is moderately conserved and there is a small physicochemical difference between glutamine and arginine.

GeneDx
Classification: Uncertain significance. Last evaluated: 2017-11-02. Review status: criteria provided, single submitter. Criteria: GeneDx Variant Classification (06012015). Collection method: clinical testing. Allele origin: germline. Affected: yes.
Comment: A variant of uncertain significance has been identified in the DSP gene. The Q836R variant has not been published as pathogenic or been reported as benign to our knowledge. This variant is not observed in large population cohorts (Lek et al., 2016). The Q836R variant is a semi-conservative amino acid substitution, which may impact secondary protein structure as these residues differ in some properties. However, this substitution occurs at a position that is not conserved across species. In silico analysis suggests that this variant likely does not alter the protein structure/function. Finally no missense variants in nearby residues have been reported in the Human Gene Mutation Database in association with ARVC or DCM (Stenson et al., 2014).